The following is an entry in ClinVar:

NM_001388492.1(HTT):c.5104T>A (p.Ser1702Thr)

Gene: HTT (huntingtin; plus strand). Cytogenetic location: 4p16.3.
Variant type: single nucleotide variant.
Coding change: c.5104T>A on transcript NM_001388492.1 (MANE Select); coding-DNA position 5104, T replaced by A.
Protein change: p.Ser1702Thr; replaces serine 1702 with threonine.
Molecular consequence: missense variant.
Genome position (GRCh38, 1-based): chr4:3,187,765, T>A. VCF-style: chr4-3187765-T-A. GRCh37 (hg19) VCF-style: chr4-3189492-T-A.
Other names: c.5110T>A, p.Ser1704Thr (NM_002111.8); short protein forms S1702T, S1704T.
Identifiers: ClinVar variation 1401294 (VCV001401294.6), dbSNP rs2110248411, ClinGen allele CA356072733.

ClinVar aggregate classification (germline): Uncertain significance (1 of 4 stars; one submission).

Submission:

Labcorp Genetics (formerly Invitae), Labcorp
Classification: Uncertain significance. Last evaluated: 2020-12-31. Review status: criteria provided, single submitter. Criteria: Invitae Variant Classification Sherloc (09022015). Collection method: clinical testing. Allele origin: germline.
Comment: Experimental studies and prediction algorithms are not available or were not evaluated, and the functional significance of this variant is currently unknown. In summary, the available evidence is currently insufficient to determine the role of this variant in disease. Therefore, it has been classified as a Variant of Uncertain Significance. This variant has not been reported in the literature in individuals with HTT-related conditions. This variant is not present in population databases (ExAC no frequency). This sequence change replaces serine with threonine at codon 1704 of the HTT protein (p.Ser1704Thr). The serine residue is highly conserved and there is a small physicochemical difference between serine and threonine.